The following is an entry in ClinVar:

NM_002109.6(HARS1):c.1133C>T (p.Pro378Leu)

Gene: HARS1 (histidyl-tRNA synthetase 1; minus strand). Cytogenetic location: 5q31.3.
Variant type: single nucleotide variant.
Coding change: c.1133C>T on transcript NM_002109.6 (MANE Select); coding-DNA position 1133, C replaced by T.
Protein change: p.Pro378Leu; replaces proline 378 with leucine.
Molecular consequence: missense variant.
Genome position (GRCh38, 1-based): chr5:140,676,715, G>A on the plus strand (C>T on the coding strand, the complement: HARS1 is on the minus strand). VCF-style: chr5-140676715-G-A. GRCh37 (hg19) VCF-style: chr5-140056300-G-A.
Other names: c.1013C>T, p.Pro338Leu (NM_001258040.3); c.1073C>T, p.Pro358Leu (NM_001258041.3); c.953C>T, p.Pro318Leu (NM_001258042.3); c.911C>T, p.Pro304Leu (NM_001289092.2); c.791C>T, p.Pro264Leu (NM_001289093.2); c.1046C>T, p.Pro349Leu (NM_001289094.2); short protein forms P378L, P318L, P304L, P349L, P264L, P338L, P358L.
Identifiers: ClinVar variation 576639 (VCV000576639.14), dbSNP rs377410852, ClinGen allele CA3443916.
Genomic context (GRCh38, chr5:140,676,715, plus strand): 5'-TCTAGTCTCTGTTCCACGATGGAGAAAATCCGCTCCACCCCAATGCTGAGCCCCACACAT[G>A]GCACCTTGCGCCCTTTGGGGTCGAACATGCCCACTAGCCCATCATAGCGTCCTCCAGCAG-3'
Protein context (NP_002100.2, residues 368-388): GMFDPKGRKV[Pro378Leu]CVGLSIGVER

ClinVar aggregate classification (germline): Uncertain significance. Review status: criteria provided, multiple submitters, no conflicts (2 of 4 stars). 3 submissions from 3 submitters: Uncertain significance (3). Last evaluated 2026-05-20.

Conditions:
HARS1-related disorder. Also called: HARS1-related condition.
Usher syndrome type 3B. Also called: USHER SYNDROME, TYPE IIIB. Identifiers: MedGen C3281066, MONDO:0013788, OMIM 614504.

Allele frequency attached by ClinVar (database versions not stated): ExAC 0.00001; gnomAD exomes 0.00002; TOPMed 0.00002; gnomAD 0.00003 and 0.00004; ESP Exome Variant Server 0.00008.
gnomAD v4.1: 27 of 1,614,052 alleles (0.0017%); highest among the groups gnomAD compares: African/African-American, 0.0027%; no homozygotes.

Submissions (3):

PreventionGenetics, part of Exact Sciences
Classification: Uncertain significance for HARS1-related condition. Last evaluated: 2026-05-20. Review status: criteria provided, single submitter. Criteria: ACMG Guidelines, 2015. Collection method: clinical testing. Allele origin: germline.
Comment: The HARS1 c.1133C>T variant is predicted to result in the amino acid substitution p.Pro378Leu. To our knowledge, this variant has not been reported in the literature. This variant is reported in 0.0080% of alleles in individuals of African descent in gnomAD. At this time, the clinical significance of this variant is uncertain due to the absence of conclusive functional and genetic evidence.

Labcorp Genetics (formerly Invitae), Labcorp
Classification: Uncertain significance for Usher syndrome type 3B. Last evaluated: 2025-10-29. Review status: criteria provided, single submitter. Criteria: Invitae Variant Classification Sherloc (09022015). Collection method: clinical testing. Allele origin: germline.
Comment: This sequence change replaces proline, which is neutral and non-polar, with leucine, which is neutral and non-polar, at codon 378 of the HARS protein (p.Pro378Leu). This variant is present in population databases (rs377410852, gnomAD 0.008%). This variant has not been reported in the literature in individuals affected with HARS-related conditions. ClinVar contains an entry for this variant (Variation ID: 576639). Invitae Evidence Modeling of protein sequence and biophysical properties (such as structural, functional, and spatial information, amino acid conservation, physicochemical variation, residue mobility, and thermodynamic stability) indicates that this missense variant is expected to disrupt HARS protein function with a positive predictive value of 80%. In summary, the available evidence is currently insufficient to determine the role of this variant in disease. Therefore, it has been classified as a Variant of Uncertain Significance.

Ambry Genetics
Classification: Uncertain significance. Last evaluated: 2025-01-10. Review status: criteria provided, single submitter. Criteria: Ambry Variant Classification Scheme 2023. Collection method: clinical testing. Allele origin: germline.